The following is an entry in ClinVar:

ClinVar aggregate classification (germline): Uncertain significance (1 of 4 stars; one submission).

Conditions:
Developmental and epileptic encephalopathy, 23 (DEE23). Also called: Epileptic encephalopathy, early infantile, 23. Identifiers: Orphanet 411986, MedGen C4014492, MONDO:0014371, OMIM 615859.

gnomAD v4.1: 1 of 1,613,296 alleles (0.000062%); highest among the groups gnomAD compares: Non-Finnish European, 0.000085%; no homozygotes.

Submission:

Labcorp Genetics (formerly Invitae), Labcorp
Classification: Uncertain significance for Developmental and epileptic encephalopathy, 23. Last evaluated: 2022-07-05. Review status: criteria provided, single submitter. Criteria: Invitae Variant Classification Sherloc (09022015). Collection method: clinical testing. Allele origin: germline.
Comment: In summary, the available evidence is currently insufficient to determine the role of this variant in disease. Therefore, it has been classified as a Variant of Uncertain Significance. Algorithms developed to predict the effect of missense changes on protein structure and function are either unavailable or do not agree on the potential impact of this missense change (SIFT: "Deleterious"; PolyPhen-2: "Benign"; Align-GVGD: "Class C0"). This sequence change replaces valine, which is neutral and non-polar, with alanine, which is neutral and non-polar, at codon 1090 of the DOCK7 protein (p.Val1090Ala). This variant is not present in population databases (gnomAD no frequency). This variant has not been reported in the literature in individuals affected with DOCK7-related conditions. ClinVar contains an entry for this variant (Variation ID: 1438480).

NM_001367561.1(DOCK7):c.3269T>C (p.Val1090Ala)

Gene: DOCK7 (dedicator of cytokinesis 7; minus strand). Cytogenetic location: 1p31.3.
Variant type: single nucleotide variant.
Coding change: c.3269T>C on transcript NM_001367561.1 (MANE Select); coding-DNA position 3269, T replaced by C.
Protein change: p.Val1090Ala; replaces valine 1090 with alanine.
Molecular consequence: missense variant.
Genome position (GRCh38, 1-based): chr1:62,539,576, A>G on the plus strand (T>C on the coding strand, the complement: DOCK7 is on the minus strand). VCF-style: chr1-62539576-A-G. GRCh37 (hg19) VCF-style: chr1-63005247-A-G.
Other names: c.3269T>C, p.Val1090Ala (NM_001271999.2, NM_001330614.2); c.3176T>C, p.Val1059Ala (NM_001272000.2, NM_001272001.2, NM_033407.4); short protein forms V1059A, V1090A.
Identifiers: ClinVar variation 1438480 (VCV001438480.8), dbSNP rs2149393224, ClinGen allele CA340608502.